The following is an entry in ClinVar:

NM_001369.3(DNAH5):c.5658C>G (p.Tyr1886Ter)

Gene: DNAH5 (dynein axonemal heavy chain 5; minus strand). Cytogenetic location: 5p15.2.
Variant type: single nucleotide variant.
Coding change: c.5658C>G on transcript NM_001369.3 (MANE Select); coding-DNA position 5658, C replaced by G.
Protein change: p.Tyr1886Ter; replaces tyrosine 1886 with a stop codon.
Molecular consequence: nonsense.
Genome position (GRCh38, 1-based): chr5:13,840,957, G>C on the plus strand (C>G on the coding strand, the complement: DNAH5 is on the minus strand). VCF-style: chr5-13840957-G-C. GRCh37 (hg19) VCF-style: chr5-13841066-G-C.
Other names: short protein forms Y1886*.
Identifiers: ClinVar variation 958471 (VCV000958471.11), dbSNP rs6880264, ClinGen allele CA359209052.
Genomic context (GRCh38, chr5:13,840,957, plus strand): 5'-AGAATTTACCAGGTCATCAAAGATATCCCTTTGGTGCACATGAATAGTAATCAGAGTCTC[G>C]TATTTCACTCGTTCCGTGGAACTCAGATCCCTCGTGGTGACGTCTATCAATGTATTGAGT-3'

ClinVar aggregate classification (germline): Pathogenic. Review status: criteria provided, multiple submitters, no conflicts (2 of 4 stars). 2 submissions from 2 submitters: Pathogenic (2). Last evaluated 2022-09-12.

Conditions:
Primary ciliary dyskinesia 3. Identifiers: Orphanet 244, MedGen C1837618, MONDO:0012085, OMIM 608644.
Primary ciliary dyskinesia. Also called: Ciliary dyskinesia. Identifiers: Orphanet 244, MedGen C0008780, MONDO:0016575, HP:0012265.

gnomAD v4.1: 5 of 1,614,054 alleles (0.00031%); highest among the groups gnomAD compares: East Asian, 0.0022%; no homozygotes.

Submissions (2):

Labcorp Genetics (formerly Invitae), Labcorp
Classification: Pathogenic for Primary ciliary dyskinesia. Last evaluated: 2022-09-12. Review status: criteria provided, single submitter. Criteria: Invitae Variant Classification Sherloc (09022015). Collection method: clinical testing. Allele origin: germline.
Comment: For these reasons, this variant has been classified as Pathogenic. ClinVar contains an entry for this variant (Variation ID: 958471). This variant has not been reported in the literature in individuals affected with DNAH5-related conditions. This variant is present in population databases (no rsID available, gnomAD 0.006%). This sequence change creates a premature translational stop signal (p.Tyr1886*) in the DNAH5 gene. It is expected to result in an absent or disrupted protein product. Loss-of-function variants in DNAH5 are known to be pathogenic (PMID: 11788826, 16627867).

Juno Genomics, Hangzhou Juno Genomics, Inc
Classification: Pathogenic for Primary ciliary dyskinesia 3. Review status: criteria provided, single submitter. Criteria: ACMG Guidelines, 2015. Collection method: clinical testing. Allele origin: germline. Affected: yes.
Comment: Null variant in a gene where loss of function (LOF) is a known mechanism of disease.;Absent from controls (or at extremely low frequency if recessive) in Genome Aggregation Database, Exome Sequencing Project, 1000 Genomes Project, or Exome Aggregation Consortium.;Patient's phenotype or family history is highly specific for a disease with a single genetic etiology.

Literature cited by the submitters: PubMed 11788826 (cited by Labcorp Genetics (formerly Invitae), Labcorp); PubMed 16627867 (cited by Labcorp Genetics (formerly Invitae), Labcorp).